The following is an entry in ClinVar:

ClinVar aggregate classification (germline): Uncertain significance (1 of 4 stars; one submission).

Conditions:
SLC35A2-congenital disorder of glycosylation. Also called: CONGENITAL DISORDER OF GLYCOSYLATION, TYPE IIm, SOMATIC MOSAIC; CONGENITAL DISORDER OF GLYCOSYLATION, TYPE IIm; CDG IIm; DEVELOPMENTAL AND EPILEPTIC ENCEPHALOPATHY 22; EPILEPTIC ENCEPHALOPATHY, EARLY INFANTILE, 22; SLC35A2-CDG. Identifiers: Orphanet 356961, MedGen C3806688, MONDO:0010478, OMIM 300896.

Allele frequency attached by ClinVar (database versions not stated): gnomAD exomes 0.00001.
gnomAD v4.1: 12 of 1,194,530 alleles (0.001%); highest among the groups gnomAD compares: South Asian, 0.0018%; no homozygotes.

Submission:

Labcorp Genetics (formerly Invitae), Labcorp
Classification: Uncertain significance for SLC35A2-congenital disorder of glycosylation. Last evaluated: 2022-07-06. Review status: criteria provided, single submitter. Criteria: Invitae Variant Classification Sherloc (09022015). Collection method: clinical testing. Allele origin: germline.
Comment: In summary, the available evidence is currently insufficient to determine the role of this variant in disease. Therefore, it has been classified as a Variant of Uncertain Significance. Algorithms developed to predict the effect of missense changes on protein structure and function are either unavailable or do not agree on the potential impact of this missense change (SIFT: "Tolerated"; PolyPhen-2: "Possibly Damaging"; Align-GVGD: "Class C0"). ClinVar contains an entry for this variant (Variation ID: 412237). This variant has not been reported in the literature in individuals affected with SLC35A2-related conditions. This variant is not present in population databases (gnomAD no frequency). This sequence change replaces valine, which is neutral and non-polar, with isoleucine, which is neutral and non-polar, at codon 179 of the SLC35A2 protein (p.Val179Ile).

NM_005660.3(SLC35A2):c.535G>A (p.Val179Ile)

Gene: SLC35A2 (solute carrier family 35 member A2; minus strand). Cytogenetic location: Xp11.23.
Variant type: single nucleotide variant.
Coding change: c.535G>A on transcript NM_005660.3 (MANE Select); coding-DNA position 535, G replaced by A.
Protein change: p.Val179Ile; replaces valine 179 with isoleucine.
Molecular consequence: missense variant. On other transcripts: intron variant (3).
Genome position (GRCh38, 1-based): chrX:48,905,374, C>T on the plus strand (G>A on the coding strand, the complement: SLC35A2 is on the minus strand). VCF-style: chrX-48905374-C-T. GRCh37 (hg19) VCF-style: chrX-48762651-C-T.
Other names: c.535G>A, p.Val179Ile (NM_001042498.3); c.352G>A, p.Val118Ile (NM_001282649.2); c.574G>A, p.Val192Ile (NM_001282650.2); c.619G>A, p.Val207Ile (NM_001282651.2); c.427-482G>A (NM_001282647.2, NM_001032289.3); c.355-482G>A (NM_001282648.2); short protein forms V179I, V118I, V192I, V207I.
Identifiers: ClinVar variation 412237 (VCV000412237.11), dbSNP rs1060503676, ClinGen allele CA16616694.